The following is an entry in ClinVar:

NM_177438.3(DICER1):c.734+155A>G

Gene: DICER1 (dicer 1, ribonuclease III; minus strand). Cytogenetic location: 14q32.13.
Variant type: single nucleotide variant.
Coding change: c.734+155A>G on transcript NM_177438.3 (MANE Select); 155 bases into the intron after coding-DNA position 734, A replaced by G.
Molecular consequence: intron variant.
Genome position (GRCh38, 1-based): chr14:95,129,317, T>C on the plus strand (A>G on the coding strand, the complement: DICER1 is on the minus strand). VCF-style: chr14-95129317-T-C. GRCh37 (hg19) VCF-style: chr14-95595654-T-C.
Other names: c.734+155A>G (NM_001291628.2, NM_030621.4, NM_001271282.3 and 1 more transcripts).
Identifiers: ClinVar variation 676814 (VCV000676814.2), dbSNP rs11620843, ClinGen allele CA13983647.

ClinVar aggregate classification (germline): Benign. Review status: criteria provided, multiple submitters, no conflicts (2 of 4 stars). 2 submissions from 2 submitters: Benign (2). Last evaluated 2018-06-16.

Allele frequency attached by ClinVar (database versions not stated): gnomAD 0.41751 and 0.42754; 1000 Genomes Project 0.42512; 1000 Genomes Project 30x 0.42958; TOPMed 0.43146.
gnomAD v4.1: 223,843 of 660,032 alleles (34%); highest among the groups gnomAD compares: African/African-American, 70%; 43,119 homozygotes.

Submissions (2):

GeneDx
Classification: Benign. Last evaluated: 2018-06-16. Review status: criteria provided, single submitter. Criteria: GeneDx Variant Classification (06012015). Collection method: clinical testing. Allele origin: germline. Affected: yes.
Comment: This variant is considered likely benign or benign based on one or more of the following criteria: it is a conservative change, it occurs at a poorly conserved position in the protein, it is predicted to be benign by multiple in silico algorithms, and/or has population frequency not consistent with disease.

Breakthrough Genomics
Classification: Benign. Review status: criteria provided, single submitter. Criteria: ACMG Guidelines, 2015. Collection method: not provided. Allele origin: germline. Inheritance: Autosomal dominant inheritance. Affected: yes.